The following is an entry in ClinVar:

NM_006393.3(NEBL):c.2045A>G (p.Gln682Arg)

Gene: NEBL (nebulette; minus strand). Cytogenetic location: 10p12.31.
Variant type: single nucleotide variant.
Coding change: c.2045A>G on transcript NM_006393.3 (MANE Select); coding-DNA position 2045, A replaced by G.
Protein change: p.Gln682Arg; replaces glutamine 682 with arginine.
Molecular consequence: missense variant. On other transcripts: intron variant (9).
Genome position (GRCh38, 1-based): chr10:20,819,434, T>C on the plus strand (A>G on the coding strand, the complement: NEBL is on the minus strand). VCF-style: chr10-20819434-T-C. GRCh37 (hg19) VCF-style: chr10-21108363-T-C.
Other names: c.250-6494A>G (NM_001377326.1, NM_001377327.1, NM_001377328.1); c.358-6494A>G (NM_213569.2, NM_001173484.2, NM_001377322.1); c.301-6494A>G (NM_001377324.1); c.292-6494A>G (NM_001377325.1); c.310-6494A>G (NM_001377323.1); short protein forms Q682R.
Identifiers: ClinVar variation 4727074 (VCV004727074.1).
Genomic context (GRCh38, chr10:20,819,434, plus strand): 5'-AAAAATATGTTATGTTTGAGAAAATATAAAAGGAAACAGAAACGACTTGCCGCACTCAGC[T>C]GCTCCTGGTTTCGCCTCACTCTCTCTATCTCCGGGGTCATGCTTACCGGAGTGGCCTTGT-3'
Protein context (NP_006384.1, residues 672-692): EIERVRRNQE[Gln682Arg]LSAVKYKGEL

ClinVar aggregate classification (germline): Uncertain significance (1 of 4 stars; one submission).

Conditions:
Primary dilated cardiomyopathy (DCM). Also called: Dilated Cardiomyopathy. Identifiers: Orphanet 217604, MedGen C0007193, MeSH D002311, MONDO:0005021, HP:0001644. Inheritance: Various modes of inheritance.

Submission:

Labcorp Genetics (formerly Invitae), Labcorp
Classification: Uncertain significance for Primary dilated cardiomyopathy. Last evaluated: 2025-09-19. Review status: criteria provided, single submitter. Criteria: Invitae Variant Classification Sherloc (09022015). Collection method: clinical testing. Allele origin: germline.
Comment: This sequence change replaces glutamine, which is neutral and polar, with arginine, which is basic and polar, at codon 682 of the NEBL protein (p.Gln682Arg). This variant is not present in population databases (gnomAD no frequency). This variant has not been reported in the literature in individuals affected with NEBL-related conditions. An algorithm developed to predict the effect of missense changes on protein structure and function (PolyPhen-2) suggests that this variant is likely to be tolerated. In summary, the available evidence is currently insufficient to determine the role of this variant in disease. Therefore, it has been classified as a Variant of Uncertain Significance.